The following is an entry in ClinVar:

NM_006393.3(NEBL):c.2596C>T (p.Leu866Phe)

Gene: NEBL (nebulette; minus strand). Cytogenetic location: 10p12.31.
Variant type: single nucleotide variant.
Coding change: c.2596C>T on transcript NM_006393.3 (MANE Select); coding-DNA position 2596, C replaced by T.
Protein change: p.Leu866Phe; replaces leucine 866 with phenylalanine.
Molecular consequence: missense variant. On other transcripts: intron variant (8).
Genome position (GRCh38, 1-based): chr10:20,809,821, G>A on the plus strand (C>T on the coding strand, the complement: NEBL is on the minus strand). VCF-style: chr10-20809821-G-A. GRCh37 (hg19) VCF-style: chr10-21098750-G-A.
Other names: c.472+2948C>T (NM_001377324.1); c.463+2948C>T (NM_001377325.1); c.481+2948C>T (NM_001377323.1); c.2596C>T (NM_006393.2); c.607C>T, p.Leu203Phe (NM_001377322.1); c.421+2948C>T (NM_001377326.1, NM_001377327.1, NM_001377328.1); c.529+2948C>T (NM_213569.2, NM_001173484.2); short protein forms L203F, L866F.
Identifiers: ClinVar variation 1042279 (VCV001042279.10), dbSNP rs373721327, ClinGen allele CA5432404.

ClinVar aggregate classification (germline): Uncertain significance. Review status: criteria provided, multiple submitters, no conflicts (2 of 4 stars). 2 submissions from 2 submitters: Uncertain significance (2). Last evaluated 2025-08-20.

Conditions:
Primary dilated cardiomyopathy (DCM). Also called: Dilated Cardiomyopathy. Identifiers: Orphanet 217604, MedGen C0007193, MeSH D002311, MONDO:0005021, HP:0001644. Inheritance: Various modes of inheritance.

Allele frequency attached by ClinVar (database versions not stated): ExAC 0.00001; TOPMed 0.00002; gnomAD 0.00003; ESP Exome Variant Server 0.00008; gnomAD exomes below 0.00001.
gnomAD v4.1: 6 of 1,610,852 alleles (0.00037%); highest among the groups gnomAD compares: Non-Finnish European, 0.00042%; no homozygotes.

Submissions (2):

Ambry Genetics
Classification: Uncertain significance. Last evaluated: 2025-08-20. Review status: criteria provided, single submitter. Criteria: Ambry Variant Classification Scheme 2023. Collection method: clinical testing. Allele origin: germline.
Comment: The p.L866F variant (also known as c.2596C>T), located in coding exon 25 of the NEBL gene, results from a C to T substitution at nucleotide position 2596. The leucine at codon 866 is replaced by phenylalanine, an amino acid with highly similar properties. This amino acid position is conserved. In addition, this alteration is predicted to be tolerated by in silico analysis. Based on the available evidence, the clinical significance of this variant remains unclear.

Labcorp Genetics (formerly Invitae), Labcorp
Classification: Uncertain significance for Primary dilated cardiomyopathy. Last evaluated: 2024-02-20. Review status: criteria provided, single submitter. Criteria: Invitae Variant Classification Sherloc (09022015). Collection method: clinical testing. Allele origin: germline.
Comment: This sequence change replaces leucine, which is neutral and non-polar, with phenylalanine, which is neutral and non-polar, at codon 866 of the NEBL protein (p.Leu866Phe). This variant is present in population databases (rs373721327, gnomAD 0.0009%). This variant has not been reported in the literature in individuals affected with NEBL-related conditions. ClinVar contains an entry for this variant (Variation ID: 1042279). An algorithm developed to predict the effect of missense changes on protein structure and function (PolyPhen-2) suggests that this variant is likely to be disruptive. In summary, the available evidence is currently insufficient to determine the role of this variant in disease. Therefore, it has been classified as a Variant of Uncertain Significance.